The following is an entry in ClinVar:

NM_000051.4(ATM):c.2838+6T>C

Gene: ATM (ATM serine/threonine kinase; plus strand). Cytogenetic location: 11q22.3.
Variant type: single nucleotide variant.
Coding change: c.2838+6T>C on transcript NM_000051.4 (MANE Select); 6 bases into the intron after coding-DNA position 2838, T replaced by C.
Molecular consequence: intron variant.
Genome position (GRCh38, 1-based): chr11:108,268,615, T>C. VCF-style: chr11-108268615-T-C. GRCh37 (hg19) VCF-style: chr11-108139342-T-C.
Other names: c.2838+6T>C (NM_001351834.2).
Identifiers: ClinVar variation 807548 (VCV000807548.9), dbSNP rs781730571, ClinGen allele CA915948369.

ClinVar aggregate classification (germline): Conflicting classifications of pathogenicity. Review status: criteria provided, conflicting classifications (1 of 4 stars). 2 submissions from 2 submitters: Likely pathogenic (1); Uncertain significance (1). Last evaluated 2021-05-28.

Conditions:
Ataxia-telangiectasia syndrome (AT). Also called: Ataxia-telangiectasia, complementation group E; LOUIS-BAR SYNDROME; ATAXIA-TELANGIECTASIA, COMPLEMENTATION GROUP A; Ataxia-telangiectasia, complementation group D; AT, COMPLEMENTATION GROUP C; Ataxia telangiectasia (A-T). Identifiers: Orphanet 100, MedGen C0004135, MONDO:0008840, OMIM 208900.

gnomAD v4.1: 1 of 1,613,182 alleles (0.000062%); highest among the groups gnomAD compares: Non-Finnish European, 0.000085%; no homozygotes.

Submissions (2):

Labcorp Genetics (formerly Invitae), Labcorp
Classification: Uncertain significance for Ataxia-telangiectasia syndrome. Last evaluated: 2021-05-28. Review status: criteria provided, single submitter. Criteria: Invitae Variant Classification Sherloc (09022015). Collection method: clinical testing. Allele origin: germline.
Comment: This sequence change falls in intron 18 of the ATM gene. It does not directly change the encoded amino acid sequence of the ATM protein. It affects a nucleotide within the consensus splice site of the intron. This variant is not present in population databases (ExAC no frequency). In summary, the available evidence is currently insufficient to determine the role of this variant in disease. Therefore, it has been classified as a Variant of Uncertain Significance. Nucleotide substitutions within the consensus splice site are a relatively common cause of aberrant splicing (PMID: 17576681, 9536098). Algorithms developed to predict the effect of sequence changes on RNA splicing suggest that this variant may disrupt the consensus splice site, but this prediction has not been confirmed by published transcriptional studies. This variant has not been reported in the literature in individuals with ATM-related conditions. ClinVar contains an entry for this variant (Variation ID: 807548).

Institute of Human Genetics Munich, TUM University Hospital
Classification: Likely pathogenic for Ataxia-telangiectasia syndrome. Last evaluated: 2019-06-13. Review status: criteria provided, single submitter. Criteria: Classification criteria August 2017. Collection method: clinical testing. Allele origin: maternal. Inheritance: Autosomal recessive inheritance. Affected: yes. Observed: 1 compound heterozygote.

Literature cited by the submitters: PubMed 17576681 (cited by Labcorp Genetics (formerly Invitae), Labcorp); PubMed 9536098 (cited by Labcorp Genetics (formerly Invitae), Labcorp).